The following is an entry in ClinVar:

ClinVar aggregate classification (germline): Uncertain significance. Review status: criteria provided, multiple submitters, no conflicts (2 of 4 stars). 2 submissions from 2 submitters: Uncertain significance (2). Last evaluated 2024-01-15.

Conditions:
Autosomal recessive nonsyndromic hearing loss 3. Also called: NEUROSENSORY NONSYNDROMIC RECESSIVE DEAFNESS 3. Identifiers: Orphanet 90636, MedGen C1838263, MONDO:0010860, OMIM 600316.

Allele frequency attached by ClinVar (database versions not stated): gnomAD 0.00001; gnomAD exomes 0.00001 and 0.00002; TOPMed 0.00001.
gnomAD v4.1: 15 of 1,597,220 alleles (0.00094%); highest among the groups gnomAD compares: Admixed American, 0.0086%; no homozygotes.

Submissions (2):

Labcorp Genetics (formerly Invitae), Labcorp
Classification: Uncertain significance. Last evaluated: 2024-01-15. Review status: criteria provided, single submitter. Criteria: Invitae Variant Classification Sherloc (09022015). Collection method: clinical testing. Allele origin: germline.
Comment: This sequence change falls in intron 15 of the MYO15A gene. It does not directly change the encoded amino acid sequence of the MYO15A protein. It affects a nucleotide within the consensus splice site. This variant is present in population databases (rs772198042, gnomAD 0.02%). This variant has not been reported in the literature in individuals affected with MYO15A-related conditions. ClinVar contains an entry for this variant (Variation ID: 1428227). Variants that disrupt the consensus splice site are a relatively common cause of aberrant splicing (PMID: 17576681, 9536098). Algorithms developed to predict the effect of sequence changes on RNA splicing suggest that this variant may disrupt the consensus splice site. In summary, the available evidence is currently insufficient to determine the role of this variant in disease. Therefore, it has been classified as a Variant of Uncertain Significance.

Fulgent Genetics
Classification: Uncertain significance for Autosomal recessive nonsyndromic hearing loss 3. Last evaluated: 2022-05-23. Review status: criteria provided, single submitter. Criteria: ACMG Guidelines, 2015. Collection method: clinical testing. Allele origin: unknown.

Literature cited by the submitters: PubMed 17576681 (cited by Labcorp Genetics (formerly Invitae), Labcorp); PubMed 9536098 (cited by Labcorp Genetics (formerly Invitae), Labcorp).

NM_016239.4(MYO15A):c.4779+5G>A

Gene: MYO15A (myosin XVA; plus strand). Cytogenetic location: 17p11.2.
Variant type: single nucleotide variant.
Coding change: c.4779+5G>A on transcript NM_016239.4 (MANE Select); 5 bases into the intron after coding-DNA position 4779, G replaced by A.
Molecular consequence: intron variant.
Genome position (GRCh38, 1-based): chr17:18,136,691, G>A. VCF-style: chr17-18136691-G-A. GRCh37 (hg19) VCF-style: chr17-18040005-G-A.
Identifiers: ClinVar variation 1428227 (VCV001428227.6), dbSNP rs772198042, ClinGen allele CA8424023.